The following is an entry in ClinVar:

ClinVar aggregate classification (germline): Uncertain significance. Review status: criteria provided, multiple submitters, no conflicts (2 of 4 stars). 3 submissions from 3 submitters: Uncertain significance (3). Last evaluated 2024-08-13.

Conditions:
Classic or attenuated familial adenomatous polyposis. Identifiers: MedGen CN372698, MONDO:0021057.
Familial adenomatous polyposis 1 (FAP1). Also called: POLYPOSIS, ADENOMATOUS INTESTINAL; FAMILIAL ADENOMATOUS POLYPOSIS 1, ATTENUATED. Identifiers: MedGen C2713442, MONDO:0021056, OMIM 175100. Disease mechanism: loss of function.

gnomAD v4.1: 1 of 1,614,002 alleles (0.000062%); highest among the groups gnomAD compares: Non-Finnish European, 0.000085%; no homozygotes.

Submissions (3):

All of Us Research Program, National Institutes of Health
Classification: Uncertain significance for Classic or attenuated familial adenomatous polyposis. Last evaluated: 2024-08-13. Review status: criteria provided, single submitter. Criteria: ACMG Guidelines, 2015. Collection method: clinical testing. Allele origin: germline. Inheritance: Autosomal dominant inheritance. Observed: 1 variant allele, 1 heterozygote.
Comment: This missense variant replaces glycine with valine at codon 877 of the APC protein. Computational prediction suggests that this variant may not impact protein structure and function (internally defined REVEL score threshold <= 0.5, PMID: 27666373). To our knowledge, functional studies have not been reported for this variant. This variant has not been reported in individuals affected with APC-related disorders in the literature. This variant has not been identified in the general population by the Genome Aggregation Database (gnomAD). The available evidence is insufficient to determine the role of this variant in disease conclusively. Therefore, this variant is classified as a Variant of Uncertain Significance.

This study involves interpretation of variants in research participants for the purpose of population health screening. Participant phenotype was not available at the time of variant classification. Additional details can be found in publication PMID: 35346344, PMCID: PMC8962531

Labcorp Genetics (formerly Invitae), Labcorp
Classification: Uncertain significance for Familial adenomatous polyposis 1. Last evaluated: 2024-04-24. Review status: criteria provided, single submitter. Criteria: Invitae Variant Classification Sherloc (09022015). Collection method: clinical testing. Allele origin: germline.
Comment: This sequence change replaces glycine, which is neutral and non-polar, with valine, which is neutral and non-polar, at codon 877 of the APC protein (p.Gly877Val). This variant is not present in population databases (gnomAD no frequency). This variant has not been reported in the literature in individuals affected with APC-related conditions. ClinVar contains an entry for this variant (Variation ID: 1046451). Advanced modeling of protein sequence and biophysical properties (such as structural, functional, and spatial information, amino acid conservation, physicochemical variation, residue mobility, and thermodynamic stability) performed at Invitae indicates that this missense variant is not expected to disrupt APC protein function with a negative predictive value of 95%. In summary, the available evidence is currently insufficient to determine the role of this variant in disease. Therefore, it has been classified as a Variant of Uncertain Significance.

Baylor Genetics
Classification: Uncertain significance for Familial adenomatous polyposis 1. Last evaluated: 2024-03-25. Review status: criteria provided, single submitter. Criteria: ACMG Guidelines, 2015. Collection method: clinical testing. Allele origin: unknown.

NM_000038.6(APC):c.2630G>T (p.Gly877Val)

Gene: APC (APC regulator of Wnt signaling pathway; plus strand). Cytogenetic location: 5q22.2.
Variant type: single nucleotide variant.
Coding change: c.2630G>T on transcript NM_000038.6 (MANE Select); coding-DNA position 2630, G replaced by T.
Protein change: p.Gly877Val; replaces glycine 877 with valine.
Molecular consequence: missense variant.
Genome position (GRCh38, 1-based): chr5:112,838,224, G>T. VCF-style: chr5-112838224-G-T. GRCh37 (hg19) VCF-style: chr5-112173921-G-T.
Other names: c.2630G>T, p.Gly877Val (NM_001127510.3, NM_001354895.2); c.2576G>T, p.Gly859Val (NM_001127511.3); c.2684G>T, p.Gly895Val (NM_001354896.2); c.2660G>T, p.Gly887Val (NM_001354897.2); c.2555G>T, p.Gly852Val (NM_001354898.2); c.2546G>T, p.Gly849Val (NM_001354899.2); c.2507G>T, p.Gly836Val (NM_001354900.2); c.2453G>T, p.Gly818Val (NM_001354901.2); and 5 more; short protein forms G776V, G849V, G859V, G877V, G751V, G836V, G594V, G852V.
Identifiers: ClinVar variation 1046451 (VCV001046451.12), dbSNP rs558732083, ClinGen allele CA16027084.